The following is an entry in ClinVar:

ClinVar aggregate classification (germline): Conflicting classifications of pathogenicity. Review status: criteria provided, conflicting classifications (1 of 4 stars). 4 submissions from 4 submitters: Uncertain significance (3); Likely benign (1). Last evaluated 2024-03-25.

Conditions:
Microcephaly 8, primary, autosomal recessive. Identifiers: Orphanet 2512, MedGen C3553414, MONDO:0013849, OMIM 614673.
Inborn genetic diseases. Identifiers: MedGen C0950123, MeSH D030342.

Allele frequency attached by ClinVar (database versions not stated): ExAC 0.00015; gnomAD 0.00027; gnomAD exomes 0.00027; TOPMed 0.00028; ESP Exome Variant Server 0.00046.
gnomAD v4.1: 433 of 1,613,814 alleles (0.027%); highest among the groups gnomAD compares: Middle Eastern, 0.23%; no homozygotes.

Submissions (4):

Genomic Medicine Center of Excellence, King Faisal Specialist Hospital and Research Centre
Classification: Likely benign for Microcephaly 8, primary, autosomal recessive. Last evaluated: 2024-03-25. Review status: criteria provided, single submitter. Criteria: ACMG Guidelines, 2015. Collection method: research. Allele origin: germline.

Labcorp Genetics (formerly Invitae), Labcorp
Classification: Uncertain significance. Last evaluated: 2022-08-23. Review status: criteria provided, single submitter. Criteria: Invitae Variant Classification Sherloc (09022015). Collection method: clinical testing. Allele origin: germline.
Comment: This sequence change replaces arginine, which is basic and polar, with serine, which is neutral and polar, at codon 331 of the CEP135 protein (p.Arg331Ser). This variant is present in population databases (rs140748251, gnomAD 0.04%). This missense change has been observed in individual(s) with clinical features of CEP135-related conditions (PMID: 31696992). ClinVar contains an entry for this variant (Variation ID: 694015). Algorithms developed to predict the effect of missense changes on protein structure and function are either unavailable or do not agree on the potential impact of this missense change (SIFT: "Deleterious"; PolyPhen-2: "Possibly Damaging"; Align-GVGD: "Class C0"). In summary, the available evidence is currently insufficient to determine the role of this variant in disease. Therefore, it has been classified as a Variant of Uncertain Significance.

Ambry Genetics
Classification: Uncertain significance for Inborn genetic diseases. Last evaluated: 2022-05-10. Review status: criteria provided, single submitter. Criteria: Ambry Variant Classification Scheme 2023. Collection method: clinical testing. Allele origin: germline.
Comment: Duerinckx, 2020 Based on insufficient or conflicting evidence, the clinical significance of this alteration remains unclear.

Child Neurology Department, Hôpital Universitaire de Bruxelles
Classification: Uncertain significance for Microcephaly 8, primary, autosomal recessive. Review status: criteria provided, single submitter. Criteria: ACMG Guidelines, 2015. Collection method: clinical testing. Allele origin: maternal. Affected: yes.

Literature cited by the submitters: PubMed 31696992 (cited by Labcorp Genetics (formerly Invitae), Labcorp and Ambry Genetics).

NM_025009.5(CEP135):c.993A>T (p.Arg331Ser)

Gene: CEP135 (centrosomal protein 135; plus strand). Cytogenetic location: 4q12.
Variant type: single nucleotide variant.
Coding change: c.993A>T on transcript NM_025009.5 (MANE Select); coding-DNA position 993, A replaced by T.
Protein change: p.Arg331Ser; replaces arginine 331 with serine.
Molecular consequence: missense variant.
Genome position (GRCh38, 1-based): chr4:55,965,808, A>T. VCF-style: chr4-55965808-A-T. GRCh37 (hg19) VCF-style: chr4-56831974-A-T.
Other names: c.993A>T (NM_025009.3); short protein forms R331S.
Identifiers: ClinVar variation 694015 (VCV000694015.7), dbSNP rs140748251, ClinGen allele CA2927721.
Genomic context (GRCh38, chr4:55,965,808, plus strand): 5'-AAATGAAAAACTCTGCCAAGAATTAACTGAAATAGATCAGTTAGCACAGCAGTTGGAAAG[A>T]CATAAAGAAGAAGTGCTTGAGACTGCTGATAAAGAGCTTGGGGAAGCAAAGGTAATGAAT-3'
Protein context (NP_079285.2, residues 321-341): EIDQLAQQLE[Arg331Ser]HKEEVLETAD